The following is an entry in ClinVar:

ClinVar aggregate classification (germline): Likely pathogenic (1 of 4 stars; one submission).

Submission:

GeneDx
Classification: Likely pathogenic. Last evaluated: 2017-01-03. Review status: criteria provided, single submitter. Criteria: GeneDx Variant Classification (06012015). Collection method: clinical testing. Allele origin: germline. Affected: yes.
Comment: The c.783+2T>G variant in the MEN1 gene has not been published as a pathogenic variant, nor has it been reported as a benign variant to our knowledge. This variant was not observed in approximately 6.500 individuals of European and African American ancestry in the NHLBI Exome Sequencing Project, indicating it is not a common benign variant in these populations. This splice site variant destroys the canonical donor site in intron 4. It is predicted to cause abnormal gene splicing, either leading to an abnormal message that is subject to nonsense-mediated mRNA decay, or to an abnormal protein product if the message is used for protein translation. In the absence of RNA/functional studies, the actual effect of this sequence change in this individual is unknown. Based on the currently available information, c.783+2T>G is a strong candidate for a pathogenic variant. However, the possibility it may be a rare benign variant cannot be excluded.

NM_001370259.2(MEN1):c.783+2T>G

Gene: MEN1 (menin 1; minus strand). Cytogenetic location: 11q13.1.
Variant type: single nucleotide variant.
Coding change: c.783+2T>G on transcript NM_001370259.2 (MANE Select); the canonical splice donor site of the intron after coding-DNA position 783, T replaced by G.
Molecular consequence: splice donor variant.
Genome position (GRCh38, 1-based): chr11:64,807,550, A>C on the plus strand (T>G on the coding strand, the complement: MEN1 is on the minus strand). VCF-style: chr11-64807550-A-C. GRCh37 (hg19) VCF-style: chr11-64575022-A-C.
Other names: c.798+2T>G (NM_130804.3, NM_130803.3, NM_000244.4 and 5 more transcripts); c.678+2T>G (NM_001407148.1, NM_001407149.1, NM_001407151.1 and 2 more transcripts); c.783+2T>G (NM_130799.3, NM_001407144.1, NM_001370260.2 and 7 more transcripts).
Identifiers: ClinVar variation 392627 (VCV000392627.3), dbSNP rs1057524571, ClinGen allele CA16606964.